The following is an entry in ClinVar:

NM_018486.3(HDAC8):c.320G>A (p.Gly107Glu)

Gene: HDAC8 (histone deacetylase 8; minus strand). Cytogenetic location: Xq13.1.
Variant type: single nucleotide variant.
Coding change: c.320G>A on transcript NM_018486.3 (MANE Select); coding-DNA position 320, G replaced by A.
Protein change: p.Gly107Glu; replaces glycine 107 with glutamic acid.
Molecular consequence: missense variant. On other transcripts: intron variant (3).
Genome position (GRCh38, 1-based): chrX:72,568,006, C>T on the plus strand (G>A on the coding strand, the complement: HDAC8 is on the minus strand). VCF-style: chrX-72568006-C-T. GRCh37 (hg19) VCF-style: chrX-71787856-C-T.
Other names: c.320G>A, p.Gly107Glu (NM_001166419.2, NM_001166420.2, NM_001166422.2 and 4 more transcripts); c.164+4051G>A (NM_001166418.2, NM_001410728.1, NM_001166448.2); short protein forms G107E.
Identifiers: ClinVar variation 3901625 (VCV003901625.1).

ClinVar aggregate classification (germline): Uncertain significance (1 of 4 stars; one submission).

Submission:

GeneDx
Classification: Uncertain significance. Last evaluated: 2024-12-02. Review status: criteria provided, single submitter. Criteria: GeneDx Variant Classification Process June 2021. Collection method: clinical testing. Allele origin: germline. Affected: yes.
Comment: Not observed at significant frequency in large population cohorts (gnomAD); In silico analysis supports that this missense variant has a deleterious effect on protein structure/function; Has not been previously published as pathogenic or benign to our knowledge